The following is an entry in ClinVar:

ClinVar aggregate classification (germline): Likely benign (1 of 4 stars; one submission).

gnomAD v4.1: 1,229 of 1,612,218 alleles (0.076%); highest among the groups gnomAD compares: Non-Finnish European, 0.093%; no homozygotes.

Submission:

CeGaT Center for Human Genetics Tuebingen
Classification: Likely benign. Last evaluated: 2026-07-01. Review status: criteria provided, single submitter. Criteria: CeGaT Center For Human Genetics Tuebingen Variant Classification Criteria Version 2. Collection method: clinical testing. Allele origin: germline. Affected: yes. Observed: 3 variant alleles.
Comment: LTBP1: BP4, BP7

NM_206943.4(LTBP1):c.2019G>C (p.Ser673=)

Gene: LTBP1 (latent transforming growth factor beta binding protein 1; plus strand). Cytogenetic location: 2p22.3.
Variant type: single nucleotide variant.
Coding change: c.2019G>C on transcript NM_206943.4 (MANE Select); coding-DNA position 2019, G replaced by C.
Protein change: p.Ser673=; no amino-acid change (serine 673 retained).
Molecular consequence: synonymous variant.
Genome position (GRCh38, 1-based): chr2:33,252,696, G>C. VCF-style: chr2-33252696-G-C. GRCh37 (hg19) VCF-style: chr2-33477763-G-C.
Other names: c.1041G>C, p.Ser347= (NM_000627.4, NM_001166264.2, NM_001166265.2 and 21 more transcripts); c.2019G>C, p.Ser673= (NM_001394905.1); c.798G>C, p.Ser266= (NM_001394916.1).
Identifiers: ClinVar variation 3778020 (VCV003778020.7).